The following is an entry in ClinVar:

NM_000431.4(MVK):c.769-38C>T

Gene: MVK (mevalonate kinase; plus strand). Cytogenetic location: 12q24.11.
Variant type: single nucleotide variant.
Coding change: c.769-38C>T on transcript NM_000431.4 (MANE Select); 38 bases into the intron before coding-DNA position 769, C replaced by T.
Molecular consequence: intron variant.
Genome position (GRCh38, 1-based): chr12:109,591,203, C>T. VCF-style: chr12-109591203-C-T. GRCh37 (hg19) VCF-style: chr12-110029008-C-T.
Other names: c.613-38C>T (NM_001301182.2); c.769-38C>T (NM_001114185.3).
Identifiers: ClinVar variation 439922 (VCV000439922.30), dbSNP rs35191208, ClinGen allele CA6779369.

ClinVar aggregate classification (germline): Benign. Review status: criteria provided, multiple submitters, no conflicts (2 of 4 stars). 6 submissions from 6 submitters: Benign (6). Last evaluated 2026-01-26.

Conditions:
Autoinflammatory syndrome. Identifiers: Orphanet 93665, MedGen C3890737, MONDO:0019751.
Hyperimmunoglobulin D with periodic fever (HIDS). Also called: HYPERIMMUNOGLOBULINEMIA D AND PERIODIC FEVER SYNDROME; Hyperimmunoglobulinemia D with periodic fever; Hyperimmunoglobulinemia D. Identifiers: Orphanet 343, MedGen C0398691, MONDO:0009849, OMIM 260920.
Mevalonic aciduria (MEVA). Identifiers: Orphanet 29, MedGen C1959626, MONDO:0012481, OMIM 610377.
Porokeratosis 3, disseminated superficial actinic type (POROK3). Also called: POROKERATOSIS 3, MULTIPLE TYPES; POROKERATOSIS 3, MIBELLI TYPE; POROKERATOSIS, DISSEMINATED SUPERFICIAL ACTINIC, 1. Identifiers: MedGen C1867981, MONDO:0008293, OMIM 175900.

Allele frequency attached by ClinVar (database versions not stated): 1000 Genomes Project 0.15475; gnomAD exomes 0.15944 and 0.17187; ExAC 0.16005; 1000 Genomes Project 30x 0.16084; gnomAD 0.16343 and 0.16489; TOPMed 0.16983; ESP Exome Variant Server 0.17231.
gnomAD v4.1: 272,995 of 1,595,588 alleles (17%); highest among the groups gnomAD compares: Middle Eastern, 20%; 23,953 homozygotes.

Submissions (6):

Labcorp Genetics (formerly Invitae), Labcorp
Classification: Benign for Mevalonic aciduria; Hyperimmunoglobulin D with periodic fever; Porokeratosis 3, disseminated superficial actinic type. Last evaluated: 2026-01-26. Review status: criteria provided, single submitter. Criteria: Invitae Variant Classification Sherloc (09022015). Collection method: clinical testing. Allele origin: germline.

Unidad de Genómica Garrahan, Hospital de Pediatría Garrahan
Classification: Benign. Last evaluated: 2024-01-24. Review status: criteria provided, single submitter. Criteria: ACMG Guidelines, 2015. Collection method: clinical testing. Allele origin: germline. Affected: no. Observed: 25 variant alleles.
Comment: This variant is classified as Benign based on local population frequency. This variant was detected in 28% of patients studied by a panel of primary immunodeficiencies. Number of patients: 25. Only high quality variants are reported.

ARUP Laboratories, Molecular Genetics and Genomics, ARUP Laboratories
Classification: Benign. Last evaluated: 2022-09-13. Review status: criteria provided, single submitter. Criteria: ARUP Molecular Germline Variant Investigation Process 2021. Collection method: clinical testing. Allele origin: germline.

Genome Diagnostics Laboratory, The Hospital for Sick Children
Classification: Benign for Autoinflammatory syndrome. Last evaluated: 2016-12-12. Review status: criteria provided, single submitter. Criteria: ACMG Guidelines, 2015. Collection method: clinical testing. Allele origin: germline. Affected: yes.

GeneDx
Classification: Benign. Last evaluated: 2015-03-03. Review status: criteria provided, single submitter. Criteria: GeneDx Variant Classification Process June 2021. Collection method: clinical testing. Allele origin: germline. Affected: yes.
Comment: This variant is associated with the following publications: (PMID: 22246419, 27884173, 27190114)

Breakthrough Genomics
Classification: Benign. Review status: criteria provided, single submitter. Criteria: ACMG Guidelines, 2015. Collection method: not provided. Allele origin: germline. Inheritance: Autosomal recessive inheritance. Affected: yes.